The following is an entry in ClinVar:

ClinVar aggregate classification (germline): Uncertain significance (1 of 4 stars; one submission).

Allele frequency attached by ClinVar (database versions not stated): gnomAD 0.00002 and 0.00003; TOPMed 0.00002; gnomAD exomes 0.00004 and 0.00008; ExAC 0.00009.
gnomAD v4.1: 55 of 1,608,850 alleles (0.0034%); highest among the groups gnomAD compares: South Asian, 0.024%; no homozygotes.

Submission:

Labcorp Genetics (formerly Invitae), Labcorp
Classification: Uncertain significance. Last evaluated: 2021-11-08. Review status: criteria provided, single submitter. Criteria: Invitae Variant Classification Sherloc (09022015). Collection method: clinical testing. Allele origin: germline.
Comment: Algorithms developed to predict the effect of sequence changes on RNA splicing suggest that this variant may create or strengthen a splice site. This sequence change replaces glycine, which is neutral and non-polar, with arginine, which is basic and polar, at codon 3344 of the VPS13C protein (p.Gly3344Arg). This variant is present in population databases (rs748206005, gnomAD 0.03%). This variant has not been reported in the literature in individuals affected with VPS13C-related conditions. Algorithms developed to predict the effect of missense changes on protein structure and function (SIFT, PolyPhen-2, Align-GVGD) all suggest that this variant is likely to be tolerated. In summary, the available evidence is currently insufficient to determine the role of this variant in disease. Therefore, it has been classified as a Variant of Uncertain Significance.

NM_020821.3(VPS13C):c.10030G>A (p.Gly3344Arg)

Gene: VPS13C (vacuolar protein sorting 13 homolog C; minus strand). Cytogenetic location: 15q22.2.
Variant type: single nucleotide variant.
Coding change: c.10030G>A on transcript NM_020821.3 (MANE Select); coding-DNA position 10030, G replaced by A.
Protein change: p.Gly3344Arg; replaces glycine 3344 with arginine.
Molecular consequence: missense variant.
Genome position (GRCh38, 1-based): chr15:61,878,719, C>T on the plus strand (G>A on the coding strand, the complement: VPS13C is on the minus strand). VCF-style: chr15-61878719-C-T. GRCh37 (hg19) VCF-style: chr15-62170918-C-T.
Other names: c.10030G>A, p.Gly3344Arg (NM_001018088.3); c.9901G>A, p.Gly3301Arg (NM_017684.5, NM_018080.4); short protein forms G3344R, G3301R.
Identifiers: ClinVar variation 1438865 (VCV001438865.6), dbSNP rs748206005, ClinGen allele CA7594449.